The following is an entry in ClinVar:

ClinVar aggregate classification (germline): Conflicting classifications of pathogenicity. Review status: criteria provided, conflicting classifications (1 of 4 stars). 8 submissions from 8 submitters: Uncertain significance (5); Likely benign (3). Last evaluated 2026-07-08.

Conditions:
Intellectual disability, autosomal dominant 16 (CSS4). Also called: COFFIN-SIRIS SYNDROME 4. Identifiers: Orphanet 1465, MedGen C3553249, MONDO:0013821, OMIM 614609.
Rhabdoid tumor predisposition syndrome 2 (RTPS2). Identifiers: Orphanet 231108, Orphanet 69077, MedGen C2750074, MONDO:0013224, OMIM 613325.
Otosclerosis 12. Identifiers: MedGen C5935610, MONDO:0968980, OMIM 620792.
Hereditary cancer-predisposing syndrome. Also called: Hereditary Cancer Syndrome; Tumor predisposition; Hereditary neoplastic syndrome; Neoplastic Syndromes, Hereditary. Identifiers: Orphanet 140162, MedGen C0027672, MeSH D009386, MONDO:0015356.

Allele frequency attached by ClinVar (database versions not stated): TOPMed 0.00002; gnomAD 0.00002 and 0.00003; gnomAD exomes 0.00002 and 0.00007.
gnomAD v4.1: 109 of 1,613,608 alleles (0.0068%); highest among the groups gnomAD compares: Non-Finnish European, 0.0081%; no homozygotes.

Submissions (8):

Myriad Genetics, Inc.
Classification: Likely benign for Rhabdoid tumor predisposition syndrome 2. Last evaluated: 2026-07-08. Review status: criteria provided, single submitter. Criteria: Myriad Autosomal Dominant, Autosomal Recessive and X-Linked Classification Criteria (2023). Collection method: clinical testing. Allele origin: unknown.
Comment: This variant is considered likely benign. This variant has been observed at a population frequency that is significantly greater than expected given the associated disease prevalence and penetrance.

Labcorp Genetics (formerly Invitae), Labcorp
Classification: Likely benign for Rhabdoid tumor predisposition syndrome 2. Last evaluated: 2026-01-20. Review status: criteria provided, single submitter. Criteria: Invitae Variant Classification Sherloc (09022015). Collection method: clinical testing. Allele origin: germline.

Fulgent Genetics
Classification: Uncertain significance for Rhabdoid tumor predisposition syndrome 2; Intellectual disability, autosomal dominant 16; Otosclerosis 12. Last evaluated: 2024-05-14. Review status: criteria provided, single submitter. Criteria: ACMG Guidelines, 2015. Collection method: clinical testing. Allele origin: germline.

GeneDx
Classification: Uncertain significance. Last evaluated: 2023-02-10. Review status: criteria provided, single submitter. Criteria: GeneDx Variant Classification Process June 2021. Collection method: clinical testing. Allele origin: germline. Affected: yes.
Comment: In silico analysis supports that this missense variant does not alter protein structure/function; Has not been previously published as pathogenic or benign to our knowledge; This variant is associated with the following publications: (PMID: 35962714)

Institute for Clinical Genetics, University Hospital TU Dresden, University Hospital TU Dresden
Classification: Uncertain significance. Last evaluated: 2021-11-03. Review status: criteria provided, single submitter. Criteria: ACMG Guidelines, 2015. Collection method: clinical testing. Allele origin: germline.

Genome-Nilou Lab
Classification: Uncertain significance for Intellectual disability, autosomal dominant 16. Last evaluated: 2021-07-15. Review status: criteria provided, single submitter. Criteria: ACMG Guidelines, 2015. Collection method: clinical testing. Allele origin: germline. Affected: no.

Revvity Omics, Revvity
Classification: Uncertain significance for Intellectual disability, autosomal dominant 16. Last evaluated: 2021-06-24. Review status: criteria provided, single submitter. Criteria: ACMG Guidelines, 2015. Collection method: clinical testing. Allele origin: germline.

Ambry Genetics
Classification: Likely benign for Hereditary cancer-predisposing syndrome. Last evaluated: 2020-12-21. Review status: criteria provided, single submitter. Criteria: Ambry Variant Classification Scheme 2023. Collection method: clinical testing. Allele origin: germline.

NM_003072.5(SMARCA4):c.4916G>A (p.Arg1639His)

Gene: SMARCA4 (SWI/SNF related BAF chromatin remodeling complex subunit ATPase 4; plus strand). Cytogenetic location: 19p13.2.
Variant type: single nucleotide variant.
Coding change: c.4916G>A on transcript NM_003072.5 (MANE Select); coding-DNA position 4916, G replaced by A.
Protein change: p.Arg1639His; replaces arginine 1639 with histidine.
Molecular consequence: missense variant. On other transcripts: non-coding transcript variant (1).
Genome position (GRCh38, 1-based): chr19:11,061,788, G>A. VCF-style: chr19-11061788-G-A. GRCh37 (hg19) VCF-style: chr19-11172464-G-A.
Other names: c.5012G>A (NM_001128849.2); c.4916G>A, p.Arg1639His (NM_001128844.3); c.4826G>A, p.Arg1609His (NM_001128845.2); c.4823G>A, p.Arg1608His (NM_001128846.2); c.4817G>A, p.Arg1606His (NM_001128847.4, NM_001374457.1); c.4814G>A, p.Arg1605His (NM_001128848.2); c.5012G>A, p.Arg1671His (NM_001128849.3, NM_001387283.1); short protein forms R1671H, R1605H, R1606H, R1608H, R1639H, R1609H.
Identifiers: ClinVar variation 238503 (VCV000238503.28), dbSNP rs867536416, ClinGen allele CA10583770.